The following is an entry in ClinVar:

NM_018128.5(TSR1):c.2333C>T (p.Thr778Ile)

Genes: SRR (serine racemase; plus strand), TSR1 (TSR1 ribosome maturation factor; minus strand). Cytogenetic location: 17p13.3.
Variant type: single nucleotide variant.
Coding change: c.2333C>T on transcript NM_018128.5 (MANE Select); coding-DNA position 2333, C replaced by T.
Protein change: p.Thr778Ile; replaces threonine 778 with isoleucine.
Molecular consequence: missense variant. On other transcripts: 3 prime UTR variant (1).
Genome position (GRCh38, 1-based): chr17:2,324,278, G>A on the plus strand (C>T on the coding strand, the complement: TSR1 is on the minus strand). VCF-style: chr17-2324278-G-A. GRCh37 (hg19) VCF-style: chr17-2227572-G-A.
Other names: c.*405G>A (NM_001304803.2, NM_021947.3); short protein forms T778I.
Identifiers: ClinVar variation 3042039 (VCV003042039.2), dbSNP rs141644586, ClinGen allele CA8279616.

ClinVar aggregate classification (germline): Likely benign (0 of 4 stars; one submission).

Conditions:
TSR1-related disorder. Also called: TSR1-related condition.

Allele frequency attached by ClinVar (database versions not stated): gnomAD exomes 0.00170; 1000 Genomes Project 30x 0.00219; 1000 Genomes Project 0.00260.
gnomAD v4.1: 2,677 of 1,555,294 alleles (0.17%); highest among the groups gnomAD compares: South Asian, 0.55%; 10 homozygotes.

Submission:

PreventionGenetics, part of Exact Sciences
Classification: Likely benign for TSR1-related condition. Last evaluated: 2020-09-21. Review status: no assertion criteria provided. Collection method: clinical testing. Allele origin: germline.
Comment: This variant is classified as likely benign based on ACMG/AMP sequence variant interpretation guidelines (Richards et al. 2015 PMID: 25741868, with internal and published modifications).